The following is an entry in ClinVar:

NM_000448.3(RAG1):c.2844A>T (p.Glu948Asp)

Gene: RAG1 (recombination activating 1; plus strand). Cytogenetic location: 11p12.
Variant type: single nucleotide variant.
Coding change: c.2844A>T on transcript NM_000448.3 (MANE Select); coding-DNA position 2844, A replaced by T.
Protein change: p.Glu948Asp; replaces glutamic acid 948 with aspartic acid.
Molecular consequence: missense variant.
Genome position (GRCh38, 1-based): chr11:36,576,148, A>T. VCF-style: chr11-36576148-A-T. GRCh37 (hg19) VCF-style: chr11-36597698-A-T.
Other names: c.2844A>T, p.Glu948Asp (NM_001377277.1, NM_001377278.1, NM_001377279.1 and 1 more transcripts); short protein forms E948D.
Identifiers: ClinVar variation 1522248 (VCV001522248.3), dbSNP rs377118671, ClinGen allele CA220564617.

ClinVar aggregate classification (germline): Uncertain significance (1 of 4 stars; one submission).

Conditions:
Severe combined immunodeficiency, autosomal recessive, T cell-negative, B cell-negative, NK cell-positive. Also called: SCID, AR, T-cell negative, B-cell negative, NK cell-positive; Severe combined immunodeficiency due to complete RAG1/2 deficiency; SCID, T CELL-NEGATIVE, B CELL-NEGATIVE, NK CELL-POSITIVE. Identifiers: Orphanet 331206, MedGen C1832322, MONDO:0011086, OMIM 601457.
Combined immunodeficiency with skin granulomas. Identifiers: Orphanet 157949, MedGen C2673536, MONDO:0009306, OMIM 233650.

Allele frequency attached by ClinVar (database versions not stated): TOPMed below 0.00001; gnomAD exomes 0.00001; ESP Exome Variant Server 0.00008.
gnomAD v4.1: 9 of 1,614,082 alleles (0.00056%); highest among the groups gnomAD compares: Non-Finnish European, 0.00076%; no homozygotes.

Submission:

Labcorp Genetics (formerly Invitae), Labcorp
Classification: Uncertain significance for Combined immunodeficiency with skin granulomas; Severe combined immunodeficiency, autosomal recessive, T cell-negative, B cell-negative, NK cell-positive. Last evaluated: 2022-02-10. Review status: criteria provided, single submitter. Criteria: Invitae Variant Classification Sherloc (09022015). Collection method: clinical testing. Allele origin: germline.
Comment: This sequence change replaces glutamic acid, which is acidic and polar, with aspartic acid, which is acidic and polar, at codon 948 of the RAG1 protein (p.Glu948Asp). This variant is present in population databases (rs377118671, gnomAD 0.002%). This variant has not been reported in the literature in individuals affected with RAG1-related conditions. Algorithms developed to predict the effect of missense changes on protein structure and function are either unavailable or do not agree on the potential impact of this missense change (SIFT: "Deleterious"; PolyPhen-2: "Probably Damaging"; Align-GVGD: "Class C0"). In summary, the available evidence is currently insufficient to determine the role of this variant in disease. Therefore, it has been classified as a Variant of Uncertain Significance.